The following is an entry in ClinVar:

NM_000368.5(TSC1):c.3279A>C (p.Arg1093=)

Gene: TSC1 (TSC complex subunit 1; minus strand). Cytogenetic location: 9q34.13.
Variant type: single nucleotide variant.
Coding change: c.3279A>C on transcript NM_000368.5 (MANE Select); coding-DNA position 3279, A replaced by C.
Protein change: p.Arg1093=; no amino-acid change (arginine 1093 retained).
Molecular consequence: synonymous variant.
Genome position (GRCh38, 1-based): chr9:132,896,451, T>G on the plus strand (A>C on the coding strand, the complement: TSC1 is on the minus strand). VCF-style: chr9-132896451-T-G. GRCh37 (hg19) VCF-style: chr9-135771838-T-G.
Other names: c.3276A>C, p.Arg1092= (NM_001162426.2); c.3126A>C, p.Arg1042= (NM_001162427.2); c.2916A>C, p.Arg972= (NM_001362177.2).
Identifiers: ClinVar variation 1118917 (VCV001118917.18), dbSNP rs772288584, ClinGen allele CA036350.

ClinVar aggregate classification (germline): Benign/Likely benign. Review status: criteria provided, multiple submitters, no conflicts (2 of 4 stars). 4 submissions from 4 submitters: Benign (1); Likely benign (3). Last evaluated 2025-10-01.

Conditions:
Hereditary cancer-predisposing syndrome. Also called: Tumor predisposition; Hereditary neoplastic syndrome; Hereditary Cancer Syndrome; Neoplastic Syndromes, Hereditary. Identifiers: Orphanet 140162, MedGen C0027672, MeSH D009386, MONDO:0015356.
Tuberous sclerosis 1 (TSC1). Identifiers: Orphanet 805, MedGen C1854465, MONDO:0008612, OMIM 191100.

Allele frequency attached by ClinVar (database versions not stated): gnomAD exomes below 0.00001; ExAC 0.00001.
gnomAD v4.1: 2 of 1,614,214 alleles (0.00012%); highest among the groups gnomAD compares: Admixed American, 0.0033%; no homozygotes.

Submissions (4):

CeGaT Center for Human Genetics Tuebingen
Classification: Likely benign. Last evaluated: 2025-10-01. Review status: criteria provided, single submitter. Criteria: CeGaT Center For Human Genetics Tuebingen Variant Classification Criteria Version 2. Collection method: clinical testing. Allele origin: germline. Affected: yes. Observed: 1 variant allele.
Comment: TSC1: BP4, BP7

Myriad Genetics, Inc.
Classification: Benign for Tuberous sclerosis 1. Last evaluated: 2025-04-30. Review status: criteria provided, single submitter. Criteria: Myriad Autosomal Dominant, Autosomal Recessive and X-Linked Classification Criteria (2023). Collection method: clinical testing. Allele origin: unknown.
Comment: This variant is considered benign. This variant is a silent/synonymous amino acid change and it is not expected to impact splicing.

Labcorp Genetics (formerly Invitae), Labcorp
Classification: Likely benign for Tuberous sclerosis 1. Last evaluated: 2023-08-27. Review status: criteria provided, single submitter. Criteria: Invitae Variant Classification Sherloc (09022015). Collection method: clinical testing. Allele origin: germline.

Ambry Genetics
Classification: Likely benign for Hereditary cancer-predisposing syndrome. Last evaluated: 2021-05-31. Review status: criteria provided, single submitter. Criteria: Ambry Variant Classification Scheme 2023. Collection method: clinical testing. Allele origin: germline.